The following is an entry in ClinVar:

ClinVar aggregate classification (germline): Pathogenic (1 of 4 stars; one submission).

Allele frequency attached by ClinVar (database versions not stated): TOPMed below 0.00001; gnomAD 0.00001; gnomAD exomes 0.00001.
gnomAD v4.1: 18 of 1,613,544 alleles (0.0011%); highest among the groups gnomAD compares: Non-Finnish European, 0.0015%; no homozygotes.

Submission:

Labcorp Genetics (formerly Invitae), Labcorp
Classification: Pathogenic. Last evaluated: 2023-03-14. Review status: criteria provided, single submitter. Criteria: Invitae Variant Classification Sherloc (09022015). Collection method: clinical testing. Allele origin: germline.
Comment: This sequence change creates a premature translational stop signal (p.Gln165*) in the C8A gene. It is expected to result in an absent or disrupted protein product. Loss-of-function variants in C8A are known to be pathogenic (PMID: 9759902). This variant is not present in population databases (gnomAD no frequency). For these reasons, this variant has been classified as Pathogenic. This variant has not been reported in the literature in individuals affected with C8A-related conditions.

Literature cited by the submitters: PubMed 9759902.

NM_000562.3(C8A):c.493C>T (p.Gln165Ter)

Gene: C8A (complement C8 alpha chain; plus strand). Cytogenetic location: 1p32.2.
Variant type: single nucleotide variant.
Coding change: c.493C>T on transcript NM_000562.3 (MANE Select); coding-DNA position 493, C replaced by T.
Protein change: p.Gln165Ter; replaces glutamine 165 with a stop codon.
Molecular consequence: nonsense.
Genome position (GRCh38, 1-based): chr1:56,881,473, C>T. VCF-style: chr1-56881473-C-T. GRCh37 (hg19) VCF-style: chr1-57347146-C-T.
Other names: short protein forms Q165*.
Identifiers: ClinVar variation 2905639 (VCV002905639.3), dbSNP rs1644246627, ClinGen allele CA340514477.